The following is an entry in ClinVar:

NM_032638.5(GATA2):c.415T>C (p.Ser139Pro)

Gene: GATA2 (GATA binding protein 2; minus strand). Cytogenetic location: 3q21.3.
Variant type: single nucleotide variant.
Coding change: c.415T>C on transcript NM_032638.5 (MANE Select); coding-DNA position 415, T replaced by C.
Protein change: p.Ser139Pro; replaces serine 139 with proline.
Molecular consequence: missense variant.
Genome position (GRCh38, 1-based): chr3:128,486,183, A>G on the plus strand (T>C on the coding strand, the complement: GATA2 is on the minus strand). VCF-style: chr3-128486183-A-G. GRCh37 (hg19) VCF-style: chr3-128205026-A-G.
Other names: c.415T>C, p.Ser139Pro (NM_001145661.2, NM_001145662.1); short protein forms S139P.
Identifiers: ClinVar variation 2931194 (VCV002931194.4), dbSNP rs2472931605, ClinGen allele CA354406845.

ClinVar aggregate classification (germline): Uncertain significance. Review status: criteria provided, multiple submitters, no conflicts (2 of 4 stars). 2 submissions from 2 submitters: Uncertain significance (2). Last evaluated 2025-04-04.

Conditions:
Deafness-lymphedema-leukemia syndrome. Also called: Emberger syndrome; Lymphedema, primary, with myelodysplasia. Identifiers: Orphanet 3226, MedGen C3279664, MONDO:0013540, OMIM 614038.
Monocytopenia with susceptibility to infections. Also called: GATA2 DEFICIENCY; MONOCYTOPENIA AND MYCOBACTERIAL INFECTION SYNDROME; MONOCYTOPENIA WITH SUSCEPTIBILITY TO MYCOBACTERIAL, FUNGAL, AND PAPILLOMAVIRUS INFECTIONS AND MYELODYSPLASIA; COMBINED IMMUNODEFICIENCY WITH SUSCEPTIBILITY TO MYCOBACTERIAL, VIRAL, AND FUNGAL INFECTIONS; Dendritic cell, monocyte, B lymphocyte, and natural killer lymphocyte deficiency; IMMUNODEFICIENCY 21. Identifiers: Orphanet 228423, MedGen C3280030, MONDO:0013607, OMIM 614172.
Inborn genetic diseases. Identifiers: MedGen C0950123, MeSH D030342.

Allele frequency attached by ClinVar (database versions not stated): gnomAD exomes below 0.00001.
gnomAD v4.1: 3 of 1,564,490 alleles (0.00019%); highest among the groups gnomAD compares: Middle Eastern, 0.054%; no homozygotes.

Submissions (2):

Ambry Genetics
Classification: Uncertain significance for Inborn genetic diseases. Last evaluated: 2025-04-04. Review status: criteria provided, single submitter. Criteria: Ambry Variant Classification Scheme 2023. Collection method: clinical testing. Allele origin: germline.
Comment: The p.S139P variant (also known as c.415T>C), located in coding exon 2 of the GATA2 gene, results from a T to C substitution at nucleotide position 415. The serine at codon 139 is replaced by proline, an amino acid with similar properties. This amino acid position is well conserved in available vertebrate species. In addition, the in silico prediction for this alteration is inconclusive. Based on the available evidence, the clinical significance of this variant remains unclear.

Labcorp Genetics (formerly Invitae), Labcorp
Classification: Uncertain significance for Monocytopenia with susceptibility to infections; Deafness-lymphedema-leukemia syndrome. Last evaluated: 2023-09-20. Review status: criteria provided, single submitter. Criteria: Invitae Variant Classification Sherloc (09022015). Collection method: clinical testing. Allele origin: germline.
Comment: In summary, the available evidence is currently insufficient to determine the role of this variant in disease. Therefore, it has been classified as a Variant of Uncertain Significance. Advanced modeling of protein sequence and biophysical properties (such as structural, functional, and spatial information, amino acid conservation, physicochemical variation, residue mobility, and thermodynamic stability) has been performed at Invitae for this missense variant, however the output from this modeling did not meet the statistical confidence thresholds required to predict the impact of this variant on GATA2 protein function. This variant has not been reported in the literature in individuals affected with GATA2-related conditions. This variant is not present in population databases (gnomAD no frequency). This sequence change replaces serine, which is neutral and polar, with proline, which is neutral and non-polar, at codon 139 of the GATA2 protein (p.Ser139Pro).

Literature cited by the submitters: PubMed 37586297 (cited by Ambry Genetics).